The following is an entry in ClinVar:

ClinVar aggregate classification (germline): Uncertain significance (1 of 4 stars; one submission).

Submission:

GeneDx
Classification: Uncertain significance. Last evaluated: 2025-08-01. Review status: criteria provided, single submitter. Criteria: GeneDx Variant Classification Process June 2021. Collection method: clinical testing. Allele origin: germline. Affected: yes.
Comment: In silico analysis supports that this missense variant has a deleterious effect on protein structure/function; Not observed at significant frequency in large population cohorts (gnomAD); Has not been previously published as pathogenic or benign to our knowledge

NM_001244008.2(KIF1A):c.4692C>G (p.Phe1564Leu)

Gene: KIF1A (kinesin family member 1A; minus strand). Cytogenetic location: 2q37.3.
Variant type: single nucleotide variant.
Coding change: c.4692C>G on transcript NM_001244008.2 (MANE Select); coding-DNA position 4692, C replaced by G.
Protein change: p.Phe1564Leu; replaces phenylalanine 1564 with leucine.
Molecular consequence: missense variant.
Genome position (GRCh38, 1-based): chr2:240,721,858, G>C on the plus strand (C>G on the coding strand, the complement: KIF1A is on the minus strand). VCF-style: chr2-240721858-G-C. GRCh37 (hg19) VCF-style: chr2-241661275-G-C.
Other names: c.4389C>G, p.Phe1463Leu (NM_001379651.1, NM_001379653.1, NM_004321.8 and 2 more transcripts); c.4416C>G, p.Phe1472Leu (NM_001320705.2, NM_001379649.1); c.4443C>G, p.Phe1481Leu (NM_001330289.2); c.4491C>G, p.Phe1497Leu (NM_001330290.2, NM_001379648.1); c.4767C>G, p.Phe1589Leu (NM_001379631.1); c.4668C>G, p.Phe1556Leu (NM_001379632.1); c.4665C>G, p.Phe1555Leu (NM_001379633.1, NM_001379645.1); c.4518C>G, p.Phe1506Leu (NM_001379634.1); and 7 more; short protein forms F1462L, F1463L, F1471L, F1472L, F1480L, F1481L, F1488L, F1497L.
Identifiers: ClinVar variation 4756000 (VCV004756000.1).